The following is an entry in ClinVar:

NM_000535.7(PMS2):c.1583G>C (p.Gly528Ala)

Gene: PMS2 (PMS1 homolog 2, mismatch repair system component; minus strand). Cytogenetic location: 7p22.1.
Variant type: single nucleotide variant.
Coding change: c.1583G>C on transcript NM_000535.7 (MANE Select); coding-DNA position 1583, G replaced by C.
Protein change: p.Gly528Ala; replaces glycine 528 with alanine.
Molecular consequence: missense variant. On other transcripts: non-coding transcript variant (1).
Genome position (GRCh38, 1-based): chr7:5,987,182, C>G on the plus strand (G>C on the coding strand, the complement: PMS2 is on the minus strand). VCF-style: chr7-5987182-C-G. GRCh37 (hg19) VCF-style: chr7-6026813-C-G.
Other names: c.650G>C, p.Gly217Ala (NM_001322011.2, NM_001322012.2); c.1010G>C, p.Gly337Ala (NM_001322013.2); c.1583G>C, p.Gly528Ala (NM_001322014.2); c.1274G>C, p.Gly425Ala (NM_001322015.2); c.1178G>C, p.Gly393Ala (NM_001322003.2, NM_001322004.2, NM_001322005.2 and 1 more transcripts); c.1427G>C, p.Gly476Ala (NM_001322006.2); c.1265G>C, p.Gly422Ala (NM_001322007.2, NM_001322008.2); c.1022G>C, p.Gly341Ala (NM_001322010.2); short protein forms G528A, G217A, G425A, G337A, G393A, G341A, G422A, G476A.
Identifiers: ClinVar variation 484313 (VCV000484313.7), dbSNP rs1554297518, ClinGen allele CA366741545.

ClinVar aggregate classification (germline): Conflicting classifications of pathogenicity. Review status: criteria provided, conflicting classifications (1 of 4 stars). 2 submissions from 2 submitters: Uncertain significance (1); Likely benign (1). Last evaluated 2026-08-14.

Conditions:
Hereditary cancer-predisposing syndrome. Also called: Tumor predisposition; Hereditary Cancer Syndrome; Hereditary neoplastic syndrome; Neoplastic Syndromes, Hereditary. Identifiers: Orphanet 140162, MedGen C0027672, MeSH D009386, MONDO:0015356.
Lynch syndrome. Identifiers: Orphanet 144, MedGen C4552100, MONDO:0005835. Disease mechanism: loss of function.

Submissions (2):

Ambry Genetics
Classification: Likely benign for Hereditary cancer-predisposing syndrome. Last evaluated: 2026-08-14. Review status: criteria provided, single submitter. Criteria: Ambry Variant Classification Scheme 2023. Collection method: clinical testing. Allele origin: germline.

Hema, HEMA – Genetic and Molecular Diagnostic Laboratory
Classification: Uncertain significance for Lynch syndrome. Last evaluated: 2025-06-30. Review status: criteria provided, single submitter. Criteria: HEMA Variant Classification Assertion Criteria. Collection method: clinical testing. Allele origin: germline.
Comment: It is a transversion from cytosine to guanine resulting in the substitution of glycine 528 by alanine in PMS2. PMS2_Supporting: Variant not found in gnomAD. BP4: Prior probability of pathogenicity score MAPP/PP2 = 0.0015 < 0.11.